The following is an entry in ClinVar:

NM_000222.3(KIT):c.338-16G>A

Gene: KIT (KIT proto-oncogene, receptor tyrosine kinase; plus strand). Cytogenetic location: 4q12.
Variant type: single nucleotide variant.
Coding change: c.338-16G>A on transcript NM_000222.3 (MANE Select); 16 bases into the intron before coding-DNA position 338, G replaced by A.
Molecular consequence: intron variant.
Genome position (GRCh38, 1-based): chr4:54,698,268, G>A. VCF-style: chr4-54698268-G-A. GRCh37 (hg19) VCF-style: chr4-55564434-G-A.
Other names: c.338-16G>A (NM_001385284.1, NM_001385290.1, NM_001385288.1 and 4 more transcripts).
Identifiers: ClinVar variation 1502560 (VCV001502560.16), dbSNP rs2109671475, ClinGen allele CA2573137917.
Genomic context (GRCh38, chr4:54,698,268, plus strand): 5'-ATTAGATCTTTTAAAAAGTGTTTTCAGTGTCTGTGACCAGCCATTCCAACTACTGATTTT[G>A]GATATGCTTCTATAGATCCTGCCAAGCTTTTCCTTGTTGACCGCTCCTTGTATGGGAAAG-3'

ClinVar aggregate classification (germline): Uncertain significance (1 of 4 stars; one submission).

Conditions:
Gastrointestinal stromal tumor. Also called: Gastrointestinal stroma tumor; Gastrointestinal stromal tumor, somatic. Identifiers: Orphanet 44890, MedGen C0238198, MeSH D046152, MONDO:0011719, OMIM 606764, HP:0100723.

Submission:

Labcorp Genetics (formerly Invitae), Labcorp
Classification: Uncertain significance for Gastrointestinal stromal tumor. Last evaluated: 2023-07-10. Review status: criteria provided, single submitter. Criteria: Invitae Variant Classification Sherloc (09022015). Collection method: clinical testing. Allele origin: germline.
Comment: This variant has not been reported in the literature in individuals affected with KIT-related conditions. This variant is not present in population databases (gnomAD no frequency). ClinVar contains an entry for this variant (Variation ID: 1502560). Algorithms developed to predict the effect of sequence changes on RNA splicing suggest that this variant may create or strengthen a splice site. In summary, the available evidence is currently insufficient to determine the role of this variant in disease. Therefore, it has been classified as a Variant of Uncertain Significance. This sequence change falls in intron 2 of the KIT gene. It does not directly change the encoded amino acid sequence of the KIT protein.